The following is an entry in ClinVar:

NM_000137.4(FAH):c.1062G>A (p.Pro354=)

Gene: FAH (fumarylacetoacetate hydrolase; plus strand). Cytogenetic location: 15q25.1.
Variant type: single nucleotide variant.
Coding change: c.1062G>A on transcript NM_000137.4 (MANE Select); coding-DNA position 1062, G replaced by A.
Protein change: p.Pro354=; no amino-acid change (proline 354 retained).
Molecular consequence: synonymous variant.
Genome position (GRCh38, 1-based): chr15:80,180,225, G>A. VCF-style: chr15-80180225-G-A. GRCh37 (hg19) VCF-style: chr15-80472567-G-A.
Other names: c.1062G>A, p.Pro354= (NM_001374377.1, NM_001374380.1).
Identifiers: ClinVar variation 391732 (VCV000391732.5), dbSNP rs767329352, ClinGen allele CA7691453.

ClinVar aggregate classification (germline): Conflicting classifications of pathogenicity. Review status: criteria provided, conflicting classifications (1 of 4 stars). 3 submissions from 3 submitters: Uncertain significance (1); Likely benign (2). Last evaluated 2025-11-06.

Conditions:
FAH-related disorder. Also called: FAH-related condition.
Tyrosinemia type I (TYRSN1). Also called: Tyrosinemia type 1; Fumarylacetoacetase deficiency; Deficiency of fumarylacetoacetase; FAH DEFICIENCY; HEPATORENAL TYROSINEMIA. Identifiers: Orphanet 882, MedGen C0268490, MONDO:0010161, OMIM 276700. Disease mechanism: loss of function.

Allele frequency attached by ClinVar (database versions not stated): gnomAD exomes 0.00001; ExAC 0.00001.
gnomAD v4.1: 8 of 1,604,214 alleles (0.0005%); highest among the groups gnomAD compares: Admixed American, 0.005%; no homozygotes.

Submissions (4):

PreventionGenetics, part of Exact Sciences
Classification: Likely benign for FAH-related condition. Last evaluated: 2025-11-06. Review status: criteria provided, single submitter. Criteria: ACMG Guidelines, 2015. Collection method: clinical testing. Allele origin: germline.
Comment: This variant is classified as likely benign based on ACMG/AMP sequence variant interpretation guidelines (Richards et al. 2015 PMID: 25741868, with internal and published modifications).

Labcorp Genetics (formerly Invitae), Labcorp
Classification: Uncertain significance for Tyrosinemia type I. Last evaluated: 2022-08-23. Review status: criteria provided, single submitter. Criteria: Invitae Variant Classification Sherloc (09022015). Collection method: clinical testing. Allele origin: germline.
Comment: This sequence change affects codon 354 of the FAH mRNA. It is a 'silent' change, meaning that it does not change the encoded amino acid sequence of the FAH protein. This variant also falls at the last nucleotide of exon 12, which is part of the consensus splice site for this exon. The frequency data for this variant in the population databases is considered unreliable, as metrics indicate poor data quality at this position in the gnomAD database. This variant has not been reported in the literature in individuals affected with FAH-related conditions. ClinVar contains an entry for this variant (Variation ID: 391732). Variants that disrupt the consensus splice site are a relatively common cause of aberrant splicing (PMID: 17576681, 9536098). Algorithms developed to predict the effect of sequence changes on RNA splicing suggest that this variant may create or strengthen a splice site. In summary, the available evidence is currently insufficient to determine the role of this variant in disease. Therefore, it has been classified as a Variant of Uncertain Significance.

GeneDx
Classification: Likely benign. Last evaluated: 2016-12-07. Review status: criteria provided, single submitter. Criteria: GeneDx Variant Classification (06012015). Collection method: clinical testing. Allele origin: germline. Affected: yes.
Comment: This variant is considered likely benign or benign based on one or more of the following criteria: it is a conservative change, it occurs at a poorly conserved position in the protein, it is predicted to be benign by multiple in silico algorithms, and/or has population frequency not consistent with disease.

Dr. Peter K. Rogan Lab, Western University
No classification provided (evidence only). Condition: Familial prostate cancer. Review status: no classification provided. Collection method: in vitro. Allele origin: not applicable. Functional consequence: retained intron. Not counted in ClinVar's aggregate classification.

Literature cited by the submitters: PubMed 17576681 (cited by Labcorp Genetics (formerly Invitae), Labcorp); PubMed 9536098 (cited by Labcorp Genetics (formerly Invitae), Labcorp).